The following is an entry in ClinVar:

NM_001256789.3(CACNA1F):c.4260+2del

Gene: CACNA1F (calcium voltage-gated channel subunit alpha1 F; minus strand). Cytogenetic location: Xp11.23.
Variant type: Deletion.
Coding change: c.4260+2del on transcript NM_001256789.3 (MANE Select); the canonical splice donor site of the intron after coding-DNA position 4260, one base deleted (T; older notation c.4260+2delT).
Molecular consequence: splice donor variant.
Genome position (GRCh38, 1-based): chrX:49,211,320, A deleted on the plus strand (T on the coding strand, the reverse complement: CACNA1F is on the minus strand). VCF-style (leftmost placement, unchanged base first): chrX-49211319-CA-C. GRCh37 (hg19) VCF-style: chrX-49067779-CA-C.
Other names: c.4293+2del (NM_005183.4); c.4098+2del (NM_001256790.3).
Identifiers: ClinVar variation 1031513 (VCV001031513.10), dbSNP rs2065655753, ClinGen allele CA2428538038.

ClinVar aggregate classification (germline): Pathogenic. Review status: criteria provided, multiple submitters, no conflicts (2 of 4 stars). 2 submissions from 2 submitters: Pathogenic (2). Last evaluated 2020-03-25.

Conditions:
Aland island eye disease (AIED). Also called: Forsius Eriksson type ocular albinism. Identifiers: Orphanet 178333, MedGen C0268505, MONDO:0010371, OMIM 300600.

Allele frequency attached by ClinVar (database versions not stated): gnomAD exomes below 0.00001.

Submissions (2):

Labcorp Genetics (formerly Invitae), Labcorp
Classification: Pathogenic. Last evaluated: 2020-03-25. Review status: criteria provided, single submitter. Criteria: Invitae Variant Classification Sherloc (09022015). Collection method: clinical testing. Allele origin: germline.
Comment: This sequence change affects a donor splice site in intron 36 of the CACNA1F gene. It is expected to disrupt RNA splicing and likely results in an absent or disrupted protein product. This variant is not present in population databases (ExAC no frequency). This variant has been observed in individual(s) with congenital stationary night blindness (Invitae). It has also been observed to segregate with disease in related individuals. Algorithms developed to predict the effect of sequence changes on RNA splicing suggest that this variant may disrupt the consensus splice site, but this prediction has not been confirmed by published transcriptional studies. Donor and acceptor splice site variants typically lead to a loss of protein function (PMID: 16199547), and loss-of-function variants in CACNA1F are known to be pathogenic (PMID: 9662399, 11281458, 17525176, 22194652, 24124559, 26992781). For these reasons, this variant has been classified as Pathogenic.

Baylor Genetics
Classification: Pathogenic for Aland island eye disease. Last evaluated: 2018-01-09. Review status: criteria provided, single submitter. Criteria: ACMG Guidelines, 2015. Collection method: clinical testing. Allele origin: unknown. Affected: yes.
Comment: This variant was determined to be pathogenic according to ACMG Guidelines, 2015 [PMID:25741868].

Literature cited by the submitters: PubMed 16199547 (cited by Labcorp Genetics (formerly Invitae), Labcorp); PubMed 9662399 (cited by Labcorp Genetics (formerly Invitae), Labcorp); PubMed 11281458 (cited by Labcorp Genetics (formerly Invitae), Labcorp); PubMed 17525176 (cited by Labcorp Genetics (formerly Invitae), Labcorp); PubMed 22194652 (cited by Labcorp Genetics (formerly Invitae), Labcorp); PubMed 24124559 (cited by Labcorp Genetics (formerly Invitae), Labcorp); PubMed 26992781 (cited by Labcorp Genetics (formerly Invitae), Labcorp).